The following is an entry in ClinVar:

NM_015450.3(POT1):c.950-2A>G

Gene: POT1 (protection of telomeres 1; minus strand). Cytogenetic location: 7q31.33.
Variant type: single nucleotide variant.
Coding change: c.950-2A>G on transcript NM_015450.3 (MANE Select); the canonical splice acceptor site of the intron before coding-DNA position 950, A replaced by G.
Molecular consequence: splice acceptor variant.
Genome position (GRCh38, 1-based): chr7:124,847,000, T>C on the plus strand (A>G on the coding strand, the complement: POT1 is on the minus strand). VCF-style: chr7-124847000-T-C. GRCh37 (hg19) VCF-style: chr7-124487054-T-C.
Other names: c.557-2A>G (NM_001042594.2).
Identifiers: ClinVar variation 3308949 (VCV003308949.2).

ClinVar aggregate classification (germline): Conflicting classifications of pathogenicity. Review status: criteria provided, conflicting classifications (1 of 4 stars). 2 submissions from 2 submitters: Likely pathogenic (1); Uncertain significance (1). Last evaluated 2025-02-12.

Conditions:
Hereditary cancer-predisposing syndrome. Also called: Neoplastic Syndromes, Hereditary; Hereditary Cancer Syndrome; Hereditary neoplastic syndrome; Tumor predisposition. Identifiers: Orphanet 140162, MedGen C0027672, MeSH D009386, MONDO:0015356.
Tumor predisposition syndrome 3 (TPDS3). Also called: Melanoma, cutaneous malignant, susceptibility to, 10; Glioma susceptibility 9; LONG TELOMERE SYNDROME, POT1-RELATED; POT1 Tumor Predisposition. Identifiers: Orphanet 618, MedGen C4014476, MONDO:0014368, OMIM 615848.

gnomAD v4.1: 4 of 1,601,486 alleles (0.00025%); highest among the groups gnomAD compares: South Asian, 0.0022%; no homozygotes.

Submissions (2):

Labcorp Genetics (formerly Invitae), Labcorp
Classification: Likely pathogenic for Tumor predisposition syndrome 3. Last evaluated: 2025-02-12. Review status: criteria provided, single submitter. Criteria: Invitae Variant Classification Sherloc (09022015). Collection method: clinical testing. Allele origin: germline.
Comment: This sequence change affects an acceptor splice site in intron 11 of the POT1 gene. It is expected to disrupt RNA splicing. Variants that disrupt the donor or acceptor splice site typically lead to a loss of protein function (PMID: 16199547), and loss-of-function variants in POT1 are known to be pathogenic (PMID: 32155570). This variant is not present in population databases (gnomAD no frequency). This variant has not been reported in the literature in individuals affected with POT1-related conditions. ClinVar contains an entry for this variant (Variation ID: 3308949). Algorithms developed to predict the effect of sequence changes on RNA splicing suggest that this variant may disrupt the consensus splice site. In summary, the currently available evidence indicates that the variant is pathogenic, but additional data are needed to prove that conclusively. Therefore, this variant has been classified as Likely Pathogenic.

Ambry Genetics
Classification: Uncertain significance for Hereditary cancer-predisposing syndrome. Last evaluated: 2024-04-15. Review status: criteria provided, single submitter. Criteria: Ambry Variant Classification Scheme 2023. Collection method: clinical testing. Allele origin: germline.
Comment: The c.950-2A>G intronic variant results from an A to G substitution two nucleotides before coding exon 8 in the POT1 gene. Alterations that disrupt the canonical splice site are expected to result in aberrant splicing. In silico splice site analysis predicts that this alteration will weaken the native splice acceptor site. RNA studies have demonstrated that this alteration results in a transcript predicted to lead to a protein with an in-frame deletion of 19 amino acid(s); however, the exact functional impact of the inserted amino acid(s) is unknown at this time (Ambry internal data). This nucleotide position is highly conserved in available vertebrate species. Based on the available evidence, the clinical significance of this alteration remains unclear.

Literature cited by the submitters: PubMed 16199547 (cited by Labcorp Genetics (formerly Invitae), Labcorp); PubMed 32155570 (cited by Labcorp Genetics (formerly Invitae), Labcorp).